The following is an entry in ClinVar:

ClinVar aggregate classification (germline): Uncertain significance. Review status: criteria provided, single submitter (1 of 4 stars). 2 submissions from 2 submitters: Uncertain significance (1). 1 of the submissions does not count toward it. Last evaluated 2024-06-17.

Submissions (2):

Labcorp Genetics (formerly Invitae), Labcorp
Classification: Uncertain significance. Last evaluated: 2024-06-17. Review status: criteria provided, single submitter. Criteria: Invitae Variant Classification Sherloc (09022015). Collection method: clinical testing. Allele origin: germline.
Comment: This sequence change replaces arginine, which is basic and polar, with proline, which is neutral and non-polar, at codon 179 of the KRT1 protein (p.Arg179Pro). This variant is not present in population databases (gnomAD no frequency). This missense change has been observed in individual(s) with epidermolytic hyperkeratosis (PMID: 8751983). ClinVar contains an entry for this variant (Variation ID: 66646). Advanced modeling of protein sequence and biophysical properties (such as structural, functional, and spatial information, amino acid conservation, physicochemical variation, residue mobility, and thermodynamic stability) has been performed at Invitae for this missense variant, however the output from this modeling did not meet the statistical confidence thresholds required to predict the impact of this variant on KRT1 protein function. In summary, the available evidence is currently insufficient to determine the role of this variant in disease. Therefore, it has been classified as a Variant of Uncertain Significance.

Epithelial Biology;  Institute of Medical Biology, Singapore
No classification provided. Review status: no classification provided. Collection method: not provided. Allele origin: not provided. Not counted in ClinVar's aggregate classification.

Literature cited by the submitters: PubMed 8751983 (cited by Labcorp Genetics (formerly Invitae), Labcorp).

NM_006121.4(KRT1):c.536G>C (p.Arg179Pro)

Gene: KRT1 (keratin 1; minus strand). Cytogenetic location: 12q13.13.
Variant type: single nucleotide variant.
Coding change: c.536G>C on transcript NM_006121.4 (MANE Select); coding-DNA position 536, G replaced by C.
Protein change: p.Arg179Pro; replaces arginine 179 with proline.
Molecular consequence: missense variant.
Genome position (GRCh38, 1-based): chr12:52,679,813, C>G on the plus strand (G>C on the coding strand, the complement: KRT1 is on the minus strand). VCF-style: chr12-52679813-C-G. GRCh37 (hg19) VCF-style: chr12-53073597-C-G.
Other names: short protein forms R179P.
Identifiers: ClinVar variation 66646 (VCV000066646.3), dbSNP rs59044845, ClinGen allele CA217451.